The following is an entry in ClinVar:

NM_017654.4(SAMD9):c.3110C>T (p.Thr1037Ile)

Gene: SAMD9 (sterile alpha motif domain containing 9; minus strand). Cytogenetic location: 7q21.2.
Variant type: single nucleotide variant.
Coding change: c.3110C>T on transcript NM_017654.4 (MANE Select); coding-DNA position 3110, C replaced by T.
Protein change: p.Thr1037Ile; replaces threonine 1037 with isoleucine.
Molecular consequence: missense variant.
Genome position (GRCh38, 1-based): chr7:93,102,988, G>A on the plus strand (C>T on the coding strand, the complement: SAMD9 is on the minus strand). VCF-style: chr7-93102988-G-A. GRCh37 (hg19) VCF-style: chr7-92732301-G-A.
Other names: c.3110C>T, p.Thr1037Ile (NM_001193307.2); short protein forms T1037I.
Identifiers: ClinVar variation 4863774 (VCV004863774.1).

ClinVar aggregate classification (germline): Uncertain significance (1 of 4 stars; one submission).

Conditions:
Inborn genetic diseases. Identifiers: MedGen C0950123, MeSH D030342.

Submission:

Ambry Genetics
Classification: Uncertain significance for Inborn genetic diseases. Last evaluated: 2026-03-26. Review status: criteria provided, single submitter. Criteria: Ambry Variant Classification Scheme 2023. Collection method: clinical testing. Allele origin: germline.
Comment: The p.T1037I variant (also known as c.3110C>T), located in coding exon 1 of the SAMD9 gene, results from a C to T substitution at nucleotide position 3110. The threonine at codon 1037 is replaced by isoleucine, an amino acid with similar properties. This amino acid position is conserved. In addition, this alteration is predicted to be tolerated by in silico analysis. Based on the available evidence, the clinical significance of this variant remains unclear.